The following is an entry in ClinVar:

NM_001069.3(TUBB2A):c.31C>G (p.Gln11Glu)

Genes: TUBB2A (tubulin beta 2A class IIa; minus strand), LOC129995635 (ATAC-STARR-seq lymphoblastoid silent region 16846; plus strand). Cytogenetic location: 6p25.2.
Variant type: single nucleotide variant.
Coding change: c.31C>G on transcript NM_001069.3 (MANE Select); coding-DNA position 31, C replaced by G.
Protein change: p.Gln11Glu; replaces glutamine 11 with glutamic acid.
Molecular consequence: missense variant. On other transcripts: 5 prime UTR variant (1).
Genome position (GRCh38, 1-based): chr6:3,157,433, G>C on the plus strand (C>G on the coding strand, the complement: TUBB2A is on the minus strand). VCF-style: chr6-3157433-G-C. GRCh37 (hg19) VCF-style: chr6-3157667-G-C.
Other names: c.-357C>G (NM_001310315.2); short protein forms Q11E.
Identifiers: ClinVar variation 1331590 (VCV001331590.4), dbSNP rs2113787768, ClinGen allele CA362593719.

ClinVar aggregate classification (germline): Uncertain significance (1 of 4 stars; one submission).

Submission:

Greenwood Genetic Center Diagnostic Laboratories, Greenwood Genetic Center
Classification: Uncertain significance. Last evaluated: 2021-02-22. Review status: criteria provided, single submitter. Criteria: ACMG Guidelines, 2015. Collection method: clinical testing. Allele origin: germline. Affected: yes.
Comment: PP2, PP3, PM2